The following is an entry in ClinVar:

ClinVar aggregate classification (germline): Pathogenic (1 of 4 stars; one submission).

Conditions:
Hereditary nonpolyposis colorectal neoplasms. Identifiers: MedGen C0009405, MeSH D003123.

Submission:

Labcorp Genetics (formerly Invitae), Labcorp
Classification: Pathogenic for Hereditary nonpolyposis colorectal neoplasms. Last evaluated: 2025-04-07. Review status: criteria provided, single submitter. Criteria: Invitae Variant Classification Sherloc (09022015). Collection method: clinical testing. Allele origin: germline.
Comment: This sequence change creates a premature translational stop signal (p.Tyr1298Metfs*29) in the MSH6 gene. While this is not anticipated to result in nonsense mediated decay, it is expected to disrupt the last 63 amino acid(s) of the MSH6 protein. This variant is not present in population databases (gnomAD no frequency). This variant has not been reported in the literature in individuals affected with MSH6-related conditions. This variant disrupts a region of the MSH6 protein in which other variant(s) (p.Arg1334Serfs*7) have been determined to be pathogenic (external communication). This suggests that this is a clinically significant region of the protein, and that variants that disrupt it are likely to be disease-causing. For these reasons, this variant has been classified as Pathogenic.

NM_000179.3(MSH6):c.3891del (p.Tyr1298fs)

Gene: MSH6 (mutS homolog 6; plus strand). Cytogenetic location: 2p16.3.
Variant type: Deletion.
Coding change: c.3891del on transcript NM_000179.3 (MANE Select); coding-DNA position 3891, one base deleted (C; older notation c.3891delC).
Protein change: p.Tyr1298fs; shifts the reading frame from tyrosine 1298.
Molecular consequence: frameshift variant. On other transcripts: non-coding transcript variant (5), intron variant (1).
Genome position (GRCh38, 1-based): chr2:47,806,541, C deleted. VCF-style (leftmost placement, unchanged base first): chr2-47806540-GC-G. GRCh37 (hg19) VCF-style: chr2-48033679-GC-G.
Other names: c.3501del, p.Tyr1168fs (NM_001281492.2); c.2985del, p.Tyr996fs (NM_001281493.2, NM_001281494.2, NM_001406811.1 and 6 more transcripts); c.3987del, p.Tyr1330fs (NM_001406795.1); c.3891del, p.Tyr1298fs (NM_001406796.1, NM_001406808.1, NM_001406809.1); c.3594del, p.Tyr1199fs (NM_001406797.1, NM_001406801.1, NM_001406805.1 and 10 more transcripts); c.3717del, p.Tyr1240fs (NM_001406798.1); c.3366del, p.Tyr1123fs (NM_001406799.1, NM_001406806.1, NM_001406807.1); c.3878del, p.Ala1293fs (NM_001406800.1); and 9 more; short protein forms Y1010fs, Y1240fs, Y1242fs, Y1272fs, Y1330fs, Y613fs, Y1168fs, Y1298fs.
Identifiers: ClinVar variation 4716763 (VCV004716763.1).